The following is an entry in ClinVar:

ClinVar aggregate classification (germline): Uncertain significance. Review status: criteria provided, multiple submitters, no conflicts (2 of 4 stars). 2 submissions from 2 submitters: Uncertain significance (2). Last evaluated 2025-10-07.

Conditions:
Joubert syndrome. Also called: CEREBELLOPARENCHYMAL DISORDER IV; JOUBERT-BOLTSHAUSER SYNDROME; Familial aplasia of the vermis. Identifiers: Orphanet 475, MedGen C5979921, MONDO:0018772.
Inborn genetic diseases. Identifiers: MedGen C0950123, MeSH D030342.

Submissions (2):

Ambry Genetics
Classification: Uncertain significance for Inborn genetic diseases. Last evaluated: 2025-10-07. Review status: criteria provided, single submitter. Criteria: Ambry Variant Classification Scheme 2023. Collection method: clinical testing. Allele origin: germline.

Labcorp Genetics (formerly Invitae), Labcorp
Classification: Uncertain significance for Joubert syndrome. Last evaluated: 2024-11-04. Review status: criteria provided, single submitter. Criteria: Invitae Variant Classification Sherloc (09022015). Collection method: clinical testing. Allele origin: germline.
Comment: This sequence change replaces glutamic acid, which is acidic and polar, with lysine, which is basic and polar, at codon 421 of the AHI1 protein (p.Glu421Lys). This variant is not present in population databases (gnomAD no frequency). This variant has not been reported in the literature in individuals affected with AHI1-related conditions. ClinVar contains an entry for this variant (Variation ID: 2183260). Invitae Evidence Modeling of protein sequence and biophysical properties (such as structural, functional, and spatial information, amino acid conservation, physicochemical variation, residue mobility, and thermodynamic stability) has been performed for this missense variant. However, the output from this modeling did not meet the statistical confidence thresholds required to predict the impact of this variant on AHI1 protein function. In summary, the available evidence is currently insufficient to determine the role of this variant in disease. Therefore, it has been classified as a Variant of Uncertain Significance.

NM_001134831.2(AHI1):c.1261G>A (p.Glu421Lys)

Gene: AHI1 (Abelson helper integration site 1; minus strand). Cytogenetic location: 6q23.3.
Variant type: single nucleotide variant.
Coding change: c.1261G>A on transcript NM_001134831.2 (MANE Select); coding-DNA position 1261, G replaced by A.
Protein change: p.Glu421Lys; replaces glutamic acid 421 with lysine.
Molecular consequence: missense variant.
Genome position (GRCh38, 1-based): chr6:135,455,817, C>T on the plus strand (G>A on the coding strand, the complement: AHI1 is on the minus strand). VCF-style: chr6-135455817-C-T. GRCh37 (hg19) VCF-style: chr6-135776955-C-T.
Other names: c.1261G>A, p.Glu421Lys (NM_001134830.2, NM_001134832.2, NM_001350503.2 and 2 more transcripts); c.1261G>A (NM_017651.4); short protein forms E421K.
Identifiers: ClinVar variation 2183260 (VCV002183260.4), dbSNP rs2484882561, ClinGen allele CA365746534.